The following is an entry in ClinVar:

NM_001370259.2(MEN1):c.736T>G (p.Ser246Ala)

Gene: MEN1 (menin 1; minus strand). Cytogenetic location: 11q13.1.
Variant type: single nucleotide variant.
Coding change: c.736T>G on transcript NM_001370259.2 (MANE Select); coding-DNA position 736, T replaced by G.
Protein change: p.Ser246Ala; replaces serine 246 with alanine.
Molecular consequence: missense variant.
Genome position (GRCh38, 1-based): chr11:64,807,599, A>C on the plus strand (T>G on the coding strand, the complement: MEN1 is on the minus strand). VCF-style: chr11-64807599-A-C. GRCh37 (hg19) VCF-style: chr11-64575071-A-C.
Other names: c.751T>G, p.Ser251Ala (NM_000244.4, NM_130800.3, NM_130801.3 and 3 more transcripts); c.736T>G, p.Ser246Ala (NM_001370251.2, NM_001370260.2, NM_001370261.2 and 1 more transcripts); c.631T>G, p.Ser211Ala (NM_001370262.2, NM_001370263.2); short protein forms S251A, S246A, S211A.
Identifiers: ClinVar variation 457336 (VCV000457336.13), dbSNP rs1175283759, ClinGen allele CA381184371.

ClinVar aggregate classification (germline): Uncertain significance. Review status: criteria provided, multiple submitters, no conflicts (2 of 4 stars). 4 submissions from 4 submitters: Uncertain significance (4). Last evaluated 2025-04-16.

Conditions:
Hereditary cancer-predisposing syndrome. Also called: Hereditary Cancer Syndrome; Hereditary neoplastic syndrome; Tumor predisposition; Neoplastic Syndromes, Hereditary. Identifiers: Orphanet 140162, MedGen C0027672, MeSH D009386, MONDO:0015356.
Multiple endocrine neoplasia, type 1 (MEN1). Also called: MEN I; WERMER SYNDROME; Endocrine adenomatosis multiple; MEN 1; MEA I. Identifiers: Orphanet 652, MedGen C0025267, MeSH D018761, MONDO:0007540, OMIM 131100.

Allele frequency attached by ClinVar (database versions not stated): gnomAD exomes below 0.00001; TOPMed below 0.00001; gnomAD 0.00001.
gnomAD v4.1: 2 of 1,613,980 alleles (0.00012%); highest among the groups gnomAD compares: African/African-American, 0.0027%; no homozygotes.

Submissions (4):

Ambry Genetics
Classification: Uncertain significance for Hereditary cancer-predisposing syndrome. Last evaluated: 2025-04-16. Review status: criteria provided, single submitter. Criteria: Ambry Variant Classification Scheme 2023. Collection method: clinical testing. Allele origin: germline.
Comment: The p.S246A variant (also known as c.736T>G), located in coding exon 3 of the MEN1 gene, results from a T to G substitution at nucleotide position 736. The serine at codon 246 is replaced by alanine, an amino acid with similar properties. This amino acid position is conserved. In addition, the in silico prediction for this alteration is inconclusive. Since supporting evidence is limited at this time, the clinical significance of this alteration remains unclear.

Labcorp Genetics (formerly Invitae), Labcorp
Classification: Uncertain significance for Multiple endocrine neoplasia, type 1. Last evaluated: 2024-10-16. Review status: criteria provided, single submitter. Criteria: Invitae Variant Classification Sherloc (09022015). Collection method: clinical testing. Allele origin: germline.
Comment: This sequence change replaces serine, which is neutral and polar, with alanine, which is neutral and non-polar, at codon 246 of the MEN1 protein (p.Ser246Ala). This variant is present in population databases (no rsID available, gnomAD 0.007%). This variant has not been reported in the literature in individuals affected with MEN1-related conditions. ClinVar contains an entry for this variant (Variation ID: 457336). Invitae Evidence Modeling of protein sequence and biophysical properties (such as structural, functional, and spatial information, amino acid conservation, physicochemical variation, residue mobility, and thermodynamic stability) has been performed for this missense variant. However, the output from this modeling did not meet the statistical confidence thresholds required to predict the impact of this variant on MEN1 protein function. In summary, the available evidence is currently insufficient to determine the role of this variant in disease. Therefore, it has been classified as a Variant of Uncertain Significance.

Baylor Genetics
Classification: Uncertain significance for Multiple Endocrine Neoplasia Type 1. Last evaluated: 2024-01-03. Review status: criteria provided, single submitter. Criteria: ACMG Guidelines, 2015. Collection method: clinical testing. Allele origin: unknown.

All of Us Research Program, National Institutes of Health
Classification: Uncertain significance for Multiple endocrine neoplasia, type 1. Last evaluated: 2023-11-28. Review status: criteria provided, single submitter. Criteria: ACMG Guidelines, 2015. Collection method: clinical testing. Allele origin: germline. Inheritance: Autosomal dominant inheritance. Observed: 1 variant allele, 1 heterozygote.
Comment: This study involves interpretation of variants in research participants for the purpose of population health screening. Participant phenotype was not available at the time of variant classification. Additional details can be found in publication PMID: 35346344, PMCID: PMC8962531